The following is an entry in ClinVar:

NM_001267550.2(TTN):c.87119-12C>G

Genes: TTN (titin; minus strand), TTN-AS1 (TTN antisense RNA 1; plus strand). Cytogenetic location: 2q31.2.
Variant type: single nucleotide variant.
Coding change: c.87119-12C>G on transcript NM_001267550.2 (MANE Select); 12 bases into the intron before coding-DNA position 87119, C replaced by G.
Molecular consequence: intron variant.
Genome position (GRCh38, 1-based): chr2:178,558,247, G>C on the plus strand (C>G on the coding strand, the complement: TTN is on the minus strand). VCF-style: chr2-178558247-G-C. GRCh37 (hg19) VCF-style: chr2-179422974-G-C.
Other names: c.82196-12C>G (NM_001256850.1); c.59924-12C>G (NM_003319.4); c.60500-12C>G (NM_133437.4); c.60299-12C>G (NM_133432.3); c.79415-12C>G (NM_133378.4).
Identifiers: ClinVar variation 373173 (VCV000373173.1), dbSNP rs1057518267, ClinGen allele CA16042412.
Genomic context (GRCh38, chr2:178,558,247, plus strand): 5'-ACATATACAGTGTGACTTGGGAAATTCTTCATATCAATTTCAGGTGGTTCTGAAAAATGA[G>C]TATAGAAAGTGAAAGTGAAAAAGTGTTTCTGAAAATTAACATAAATCAATGCAAATAATT-3'

ClinVar aggregate classification (germline): Uncertain significance (1 of 4 stars; one submission).

Submission:

GeneDx
Classification: Uncertain significance. Last evaluated: 2016-11-17. Review status: criteria provided, single submitter. Criteria: GeneDx Variant Classification (06012015). Collection method: clinical testing. Allele origin: germline. Affected: yes.
Comment: A novel variant of uncertain significance has been identified in the TTN gene. The c.82196-12 C>G variant has not been published as a pathogenic variant, nor has it been reported as a benign variant to our knowledge. It was not observed in approximately 5,900 individuals of European and African American ancestry in the NHLBI Exome Sequencing Project, indicating it is not a common benign variant in these populations. This single nucleotide substitution creates a potential cryptic splice acceptor site upstream of the native splice acceptor site and in silico algorithms predict it may disrupt normal splicing of intron 277. Though this substitution occurs at a position that is not conserved across species, guanine (G) is not wild type in any species. Of note, the c.82196-12 C>G variant resides in the A-band of TTN, where the majority of truncating pathogenic variants associated with DCM have been reported; however, it is not known whether this variant disrupts splicing and, if so, the effect of disrupted splicing (Herman et al., 2012). In the absence of functional mRNA studies, the physiological consequences of the c.82196-12 C>G variant cannot be precisely determined.Therefore, based on the currently available information, it is unclear whether this variant is pathogenic or rare benign.